The following is an entry in ClinVar:

ClinVar aggregate classification (germline): Uncertain significance (1 of 4 stars; one submission).

Conditions:
Malignant hyperthermia, susceptibility to, 1 (MHS1). Also called: Anesthesia related hyperthermia; Malignant hyperpyrexia; Fulminating hyperpyrexia; Pharmacogenic myopathy; RYR1-Related Malignant Hyperthermia Susceptibility; Malignant hyperthermia suceptibility 1. Identifiers: Orphanet 423, MedGen C2930980, MONDO:0007783, OMIM 145600.

Submission:

All of Us Research Program, National Institutes of Health
Classification: Uncertain significance for Malignant hyperthermia, susceptibility to, 1. Last evaluated: 2023-12-18. Review status: criteria provided, single submitter. Criteria: ACMG Guidelines, 2015. Collection method: clinical testing. Allele origin: germline. Inheritance: Autosomal dominant inheritance. Observed: 1 variant allele, 1 heterozygote.
Comment: This missense variant replaces tyrosine with asparagine at codon 3613 of the RYR1 protein. Computational prediction suggests that this variant may not impact protein structure and function (internally defined REVEL score threshold <= 0.5, PMID: 27666373). To our knowledge, functional studies have not been reported for this variant. This variant has not been reported in individuals affected with RYR1-related disorders in the literature. This variant has not been identified in the general population by the Genome Aggregation Database (gnomAD). The available evidence is insufficient to determine the role of this variant in disease conclusively. Therefore, this variant is classified as a Variant of Uncertain Significance.

This study involves interpretation of variants in research participants for the purpose of population health screening. Participant phenotype was not available at the time of variant classification. Additional details can be found in publication PMID: 35346344, PMCID: PMC8962531

NM_000540.3(RYR1):c.10837T>A (p.Tyr3613Asn)

Gene: RYR1 (ryanodine receptor 1; plus strand). Cytogenetic location: 19q13.2.
Variant type: single nucleotide variant.
Coding change: c.10837T>A on transcript NM_000540.3 (MANE Select); coding-DNA position 10837, T replaced by A.
Protein change: p.Tyr3613Asn; replaces tyrosine 3613 with asparagine.
Molecular consequence: missense variant.
Genome position (GRCh38, 1-based): chr19:38,528,318, T>A. VCF-style: chr19-38528318-T-A. GRCh37 (hg19) VCF-style: chr19-39018958-T-A.
Other names: c.10822T>A, p.Tyr3608Asn (NM_001042723.2); short protein forms Y3608N, Y3613N.
Identifiers: ClinVar variation 3075075 (VCV003075075.1), dbSNP rs2514494256, ClinGen allele CA405649282.